The following is an entry in ClinVar:

ClinVar aggregate classification (germline): Uncertain significance (1 of 4 stars; one submission).

Conditions:
Cardiovascular phenotype. Identifiers: MedGen CN230736.

Submission:

Ambry Genetics
Classification: Uncertain significance for Cardiovascular phenotype. Last evaluated: 2026-03-15. Review status: criteria provided, single submitter. Criteria: Ambry Variant Classification Scheme 2023. Collection method: clinical testing. Allele origin: germline.
Comment: The p.L1166F variant (also known as c.3498G>C), located in coding exon 49 of the COL1A2 gene, results from a G to C substitution at nucleotide position 3498. The leucine at codon 1166 is replaced by phenylalanine, an amino acid with highly similar properties. This amino acid position is conserved. In addition, the in silico prediction for this alteration is inconclusive. Based on the available evidence, the clinical significance of this variant remains unclear.

NM_000089.4(COL1A2):c.3498G>C (p.Leu1166Phe)

Gene: COL1A2 (collagen type I alpha 2 chain; plus strand). Cytogenetic location: 7q21.3.
Variant type: single nucleotide variant.
Coding change: c.3498G>C on transcript NM_000089.4 (MANE Select); coding-DNA position 3498, G replaced by C.
Protein change: p.Leu1166Phe; replaces leucine 1166 with phenylalanine.
Molecular consequence: missense variant.
Genome position (GRCh38, 1-based): chr7:94,427,857, G>C. VCF-style: chr7-94427857-G-C. GRCh37 (hg19) VCF-style: chr7-94057169-G-C.
Other names: short protein forms L1166F.
Identifiers: ClinVar variation 4869125 (VCV004869125.1).
Genomic context (GRCh38, chr7:94,427,857, plus strand): 5'-TGAGACCCTTCTTACTCCTGAAGGCTCTAGAAAGAACCCAGCTCGCACATGCCGTGACTT[G>C]AGACTCAGCCACCCAGAGTGGAGCAGTGGTAGGTCAAGATGTCCAGACCAGACTGACCCT-3'
Protein context (NP_000080.2, residues 1156-1176): RKNPARTCRD[Leu1166Phe]RLSHPEWSSG